The following is an entry in ClinVar:

ClinVar aggregate classification (germline): Uncertain significance (1 of 4 stars; one submission).

gnomAD v4.1: 1 of 1,201,907 alleles (0.000083%); highest among the groups gnomAD compares: African/African-American, 0.0017%; no homozygotes.

Submission:

GeneDx
Classification: Uncertain significance. Last evaluated: 2023-10-03. Review status: criteria provided, single submitter. Criteria: GeneDx Variant Classification Process June 2021. Collection method: clinical testing. Allele origin: germline. Affected: yes.
Comment: Not observed at significant frequency in large population cohorts (gnomAD); In silico analysis supports that this missense variant has a deleterious effect on protein structure/function; Has not been previously published as pathogenic or benign to our knowledge

NM_000240.4(MAOA):c.385A>T (p.Arg129Trp)

Gene: MAOA (monoamine oxidase A; plus strand). Cytogenetic location: Xp11.3.
Variant type: single nucleotide variant.
Coding change: c.385A>T on transcript NM_000240.4 (MANE Select); coding-DNA position 385, A replaced by T.
Protein change: p.Arg129Trp; replaces arginine 129 with tryptophan.
Molecular consequence: missense variant. On other transcripts: 5 prime UTR variant (1).
Genome position (GRCh38, 1-based): chrX:43,711,950, A>T. VCF-style: chrX-43711950-A-T. GRCh37 (hg19) VCF-style: chrX-43571197-A-T.
Other names: c.-15A>T (NM_001270458.2); short protein forms R129W.
Identifiers: ClinVar variation 2446685 (VCV002446685.2), dbSNP rs1800464, ClinGen allele CA413004952.
Genomic context (GRCh38, chrX:43,711,950, plus strand): 5'-CGGGGCGCCTTTCCACCAGTATGGAATCCCATTGCATATTTGGATTACAATAATCTGTGG[A>T]GGACAATAGATAACATGGGGAAGGAGGTAAAATGTGTGTTCAGTTTGCACATGACCCATT-3'
Protein context (NP_000231.1, residues 119-139): IAYLDYNNLW[Arg129Trp]TIDNMGKEIP